The following is an entry in ClinVar:

ClinVar aggregate classification (germline): Uncertain significance (1 of 4 stars; one submission).

Allele frequency attached by ClinVar (database versions not stated): TOPMed 0.00001; gnomAD 0.00002.
gnomAD v4.1: 2 of 1,210,008 alleles (0.00017%); highest among the groups gnomAD compares: Non-Finnish European, 0.00022%; no homozygotes.

Submission:

Labcorp Genetics (formerly Invitae), Labcorp
Classification: Uncertain significance. Last evaluated: 2023-03-28. Review status: criteria provided, single submitter. Criteria: Invitae Variant Classification Sherloc (09022015). Collection method: clinical testing. Allele origin: germline.
Comment: In summary, the available evidence is currently insufficient to determine the role of this variant in disease. Therefore, it has been classified as a Variant of Uncertain Significance. An algorithm developed to predict the effect of missense changes on protein structure and function (PolyPhen-2) suggests that this variant is likely to be tolerated. This variant has not been reported in the literature in individuals affected with AMER1-related conditions. This variant is present in population databases (no rsID available, gnomAD 0.01%). This sequence change replaces glycine, which is neutral and non-polar, with valine, which is neutral and non-polar, at codon 89 of the AMER1 protein (p.Gly89Val).

NM_152424.4(AMER1):c.266G>T (p.Gly89Val)

Gene: AMER1 (APC membrane recruitment protein 1; minus strand). Cytogenetic location: Xq11.2.
Variant type: single nucleotide variant.
Coding change: c.266G>T on transcript NM_152424.4 (MANE Select); coding-DNA position 266, G replaced by T.
Protein change: p.Gly89Val; replaces glycine 89 with valine.
Molecular consequence: missense variant.
Genome position (GRCh38, 1-based): chrX:64,193,021, C>A on the plus strand (G>T on the coding strand, the complement: AMER1 is on the minus strand). VCF-style: chrX-64193021-C-A. GRCh37 (hg19) VCF-style: chrX-63412901-C-A.
Other names: short protein forms G89V.
Identifiers: ClinVar variation 2966673 (VCV002966673.3), dbSNP rs1406041946, ClinGen allele CA413313038.